The following is an entry in ClinVar:

NM_001128159.3(VPS53):c.2184C>T (p.Ile728=)

Gene: VPS53 (VPS53 subunit of GARP complex; minus strand). Cytogenetic location: 17p13.3.
Variant type: single nucleotide variant.
Coding change: c.2184C>T on transcript NM_001128159.3 (MANE Select); coding-DNA position 2184, C replaced by T.
Protein change: p.Ile728=; no amino-acid change (isoleucine 728 retained).
Molecular consequence: synonymous variant.
Genome position (GRCh38, 1-based): chr17:521,640, G>A on the plus strand (C>T on the coding strand, the complement: VPS53 is on the minus strand). VCF-style: chr17-521640-G-A. GRCh37 (hg19) VCF-style: chr17-424880-G-A.
Identifiers: ClinVar variation 380895 (VCV000380895.9), dbSNP rs16953156, ClinGen allele CA8261165.

ClinVar aggregate classification (germline): Benign. Review status: criteria provided, multiple submitters, no conflicts (2 of 4 stars). 4 submissions from 4 submitters: Benign (3). 1 of the submissions does not count toward it. Last evaluated 2026-02-04.

Conditions:
VPS53-related disorder. Also called: VPS53-related condition.

Allele frequency attached by ClinVar (database versions not stated): 1000 Genomes Project 30x 0.01109; 1000 Genomes Project 0.01198; TOPMed 0.01895; gnomAD 0.01948; ESP Exome Variant Server 0.02300.
gnomAD v4.1: 43,014 of 1,550,994 alleles (2.8%); highest among the groups gnomAD compares: Middle Eastern, 3.4%; 693 homozygotes.

Submissions (4):

Labcorp Genetics (formerly Invitae), Labcorp
Classification: Benign. Last evaluated: 2026-02-04. Review status: criteria provided, single submitter. Criteria: Invitae Variant Classification Sherloc (09022015). Collection method: clinical testing. Allele origin: germline.

GeneDx
Classification: Benign. Last evaluated: 2016-05-04. Review status: criteria provided, single submitter. Criteria: GeneDx Variant Classification (06012015). Collection method: clinical testing. Allele origin: germline. Affected: yes.
Comment: This variant is considered likely benign or benign based on one or more of the following criteria: it is a conservative change, it occurs at a poorly conserved position in the protein, it is predicted to be benign by multiple in silico algorithms, and/or has population frequency not consistent with disease.

Breakthrough Genomics
Classification: Benign. Review status: criteria provided, single submitter. Criteria: ACMG Guidelines, 2015. Collection method: not provided. Allele origin: germline. Inheritance: Autosomal recessive inheritance. Affected: yes.

PreventionGenetics, part of Exact Sciences
Classification: Benign for VPS53-related condition. Last evaluated: 2019-03-05. Review status: no assertion criteria provided. Collection method: clinical testing. Allele origin: germline. Not counted in ClinVar's aggregate classification.
Comment: This variant is classified as benign based on ACMG/AMP sequence variant interpretation guidelines (Richards et al. 2015 PMID: 25741868, with internal and published modifications).